The following is an entry in ClinVar:

NM_024735.5(FBXO31):c.340+1761A>G

Gene: FBXO31 (F-box protein 31; minus strand). Cytogenetic location: 16q24.2.
Variant type: single nucleotide variant.
Coding change: c.340+1761A>G on transcript NM_024735.5 (MANE Select); 1761 bases into the intron after coding-DNA position 340, A replaced by G.
Molecular consequence: intron variant.
Genome position (GRCh38, 1-based): chr16:87,381,644, T>C on the plus strand (A>G on the coding strand, the complement: FBXO31 is on the minus strand). VCF-style: chr16-87381644-T-C. GRCh37 (hg19) VCF-style: chr16-87415250-T-C.
Other names: c.-177+8093A>G (NM_001282683.2).
Identifiers: ClinVar variation 1239788 (VCV001239788.3), dbSNP rs933717, ClinGen allele CA14233774.

ClinVar aggregate classification (germline): Benign (1 of 4 stars; one submission).

Allele frequency attached by ClinVar (database versions not stated): gnomAD 0.40595 and 0.43118; TOPMed 0.42610; 1000 Genomes Project 30x 0.57761; 1000 Genomes Project 0.59545.
gnomAD v4.1: 65,789 of 152,158 alleles (43%); highest among the groups gnomAD compares: East Asian, 100%; 17,209 homozygotes.

Submission:

GeneDx
Classification: Benign. Last evaluated: 2021-02-24. Review status: criteria provided, single submitter. Criteria: GeneDx Variant Classification Process June 2021. Collection method: clinical testing. Allele origin: germline. Affected: yes.
Comment: This variant is associated with the following publications: (PMID: 29044928)